The following is an entry in ClinVar:

ClinVar aggregate classification (germline): Conflicting classifications of pathogenicity. Review status: criteria provided, conflicting classifications (1 of 4 stars). 7 submissions from 7 submitters: Uncertain significance (6); Benign (1). Last evaluated 2026-02-23.

Conditions:
Hereditary nonpolyposis colorectal neoplasms. Identifiers: MedGen C0009405, MeSH D003123.
Mismatch repair cancer syndrome 1 (MMRCS1). Also called: MISMATCH REPAIR DEFICIENCY; MMR DEFICIENCY; BRAIN TUMOR-POLYPOSIS SYNDROME 1; BTP1 SYNDROME; CHILDHOOD CANCER SYNDROME. Identifiers: Orphanet 252202, MedGen C5399763, MONDO:0010159, OMIM 276300. Disease mechanism: loss of function.
Lynch syndrome 5 (LYNCH5). Also called: Colorectal cancer, hereditary nonpolyposis, type 5; Hereditary non-polyposis colorectal cancer, type 5. Identifiers: Orphanet 144, MedGen C1833477, MONDO:0013710, OMIM 614350. Disease mechanism: loss of function.
Hereditary cancer-predisposing syndrome. Also called: Tumor predisposition; Hereditary neoplastic syndrome; Neoplastic Syndromes, Hereditary; Hereditary Cancer Syndrome. Identifiers: Orphanet 140162, MedGen C0027672, MeSH D009386, MONDO:0015356.
Endometrial carcinoma. Also called: Endometrial carcinoma, somatic. Identifiers: MedGen C0476089, MONDO:0002447, OMIM 608089, HP:0012114.

Allele frequency attached by ClinVar (database versions not stated): gnomAD exomes below 0.00001; TOPMed 0.00001.
gnomAD v4.1: 3 of 1,578,602 alleles (0.00019%); highest among the groups gnomAD compares: Non-Finnish European, 0.00017%; no homozygotes.

Submissions (7):

Ambry Genetics
Classification: Uncertain significance for Hereditary cancer-predisposing syndrome. Last evaluated: 2026-02-23. Review status: criteria provided, single submitter. Criteria: Ambry Variant Classification Scheme 2023. Collection method: clinical testing. Allele origin: germline.

Color Diagnostics, LLC DBA Color Health
Classification: Uncertain significance for Hereditary cancer-predisposing syndrome. Last evaluated: 2025-06-24. Review status: criteria provided, single submitter. Criteria: ACMG Guidelines, 2015. Collection method: clinical testing. Allele origin: germline.
Comment: This missense variant replaces isoleucine with valine at codon 981 of the MSH6 protein. Computational prediction suggests that this variant may not impact protein structure and function. To our knowledge, functional studies have not been reported for this variant. This variant has been reported in two individuals with Lynch syndrome from a family that met the Amsterdam criteria (PMID: 28481244), and in an individual affected with breast cancer (PMID: 35886069). This variant has not been identified in the general population by the Genome Aggregation Database (gnomAD). The available evidence is insufficient to determine the role of this variant in disease conclusively. Therefore, this variant is classified as a Variant of Uncertain Significance.

Labcorp Genetics (formerly Invitae), Labcorp
Classification: Benign for Hereditary nonpolyposis colorectal neoplasms. Last evaluated: 2025-06-04. Review status: criteria provided, single submitter. Criteria: Invitae Variant Classification Sherloc (09022015). Collection method: clinical testing. Allele origin: germline.

GeneDx
Classification: Uncertain significance. Last evaluated: 2023-10-20. Review status: criteria provided, single submitter. Criteria: GeneDx Variant Classification Process June 2021. Collection method: clinical testing. Allele origin: germline. Affected: yes.
Comment: Not observed in large population cohorts (gnomAD); In silico analysis supports that this missense variant does not alter protein structure/function; Observed in two affected individuals from a family meeting Amsterdam criteria as well as an individual with breast cancer (Liccardo et al., 2017; Paduano et al., 2022); This variant is associated with the following publications: (PMID: 31391288, 17531815, 21120944, 35886069, 28481244)

Baylor Genetics
Classification: Uncertain significance for Endometrial carcinoma. Last evaluated: 2023-06-30. Review status: criteria provided, single submitter. Criteria: ACMG Guidelines, 2015. Collection method: clinical testing. Allele origin: unknown.

Mendelics
Classification: Uncertain significance. Last evaluated: 2022-05-04. Review status: criteria provided, single submitter. Criteria: Mendelics Assertion Criteria 2019. Collection method: clinical testing. Allele origin: germline.

Sema4
Classification: Uncertain significance for Hereditary cancer-predisposing syndrome. Last evaluated: 2021-11-22. Review status: criteria provided, single submitter. Criteria: Sema4 Curation Guidelines. Collection method: curation. Allele origin: germline.
Comment: The MSH6 c.2941A>G (p.I981V) variant has been reported in heterozygosity in at least one family with colorectal cancer (PMID: 28481244). The proband had microsatellite instability-high (MSI-H) tumor, and the variant was found to segregate in one family member with colorectal cancer. It was not observed in the large and broad cohorts of the Genome Aggregation Database (PMID: 32461654). The variant has been reported in ClinVar (Variation ID 182638). Functional studies have not been performed, and in silico predictions of the variant's effect on protein function are inconclusive. The evidence is insufficient to meet ACMG/AMP criteria for classifying the variant as benign or pathogenic. Thus, the clinical significance of this variant is currently uncertain.

Literature cited by the submitters: PubMed 28481244 (cited by Color Diagnostics, LLC DBA Color Health and Sema4); PubMed 35886069 (cited by Color Diagnostics, LLC DBA Color Health).

NM_000179.3(MSH6):c.2941A>G (p.Ile981Val)

Gene: MSH6 (mutS homolog 6; plus strand). Cytogenetic location: 2p16.3.
Variant type: single nucleotide variant.
Coding change: c.2941A>G on transcript NM_000179.3 (MANE Select); coding-DNA position 2941, A replaced by G.
Protein change: p.Ile981Val; replaces isoleucine 981 with valine.
Molecular consequence: missense variant.
Genome position (GRCh38, 1-based): chr2:47,800,924, A>G. VCF-style: chr2-47800924-A-G. GRCh37 (hg19) VCF-style: chr2-48028063-A-G.
Other names: p.I981V:ATT>GTT; c.2551A>G, p.Ile851Val (NM_001281492.2); c.2035A>G, p.Ile679Val (NM_001281493.2, NM_001281494.2); short protein forms I981V, I679V, I851V.
Identifiers: ClinVar variation 182638 (VCV000182638.26), dbSNP rs730881799, ClinGen allele CA011143.